The following is an entry in ClinVar:

NM_000268.4(NF2):c.133G>C (p.Asp45His)

Gene: NF2 (NF2, moesin-ezrin-radixin like (MERLIN) tumor suppressor; plus strand). Cytogenetic location: 22q12.2.
Variant type: single nucleotide variant.
Coding change: c.133G>C on transcript NM_000268.4 (MANE Select); coding-DNA position 133, G replaced by C.
Protein change: p.Asp45His; replaces aspartic acid 45 with histidine.
Molecular consequence: missense variant. On other transcripts: 5 prime UTR variant (2), intron variant (6).
Genome position (GRCh38, 1-based): chr22:29,636,769, G>C. VCF-style: chr22-29636769-G-C. GRCh37 (hg19) VCF-style: chr22-30032758-G-C.
Other names: c.19G>C, p.Asp7His (NM_001407053.1, NM_001407056.1); c.133G>C, p.Asp45His (NM_001407054.1, NM_001407057.1, NM_001407058.1 and 9 more transcripts); c.-508G>C (NM_001407065.1); c.-124G>C (NM_001407067.1); c.115-2321G>C (NM_181828.3, NM_001407055.1); c.115-5433G>C (NM_001407063.1, NM_181830.3, NM_001407064.1 and 1 more transcripts); short protein forms D45H, D7H.
Identifiers: ClinVar variation 4843848 (VCV004843848.1).
Genomic context (GRCh38, chr22:29,636,769, plus strand): 5'-TTTTTGCTCACAGTGTCCTTCCCCATTGGTTTGTTATTGCAGATGAAGTGGAAAGGGAAG[G>C]ACCTCTTTGATTTGGTGTGCCGGACTCTGGGGCTCCGAGAAACCTGGTTCTTTGGACTGC-3'
Protein context (NP_000259.1, residues 35-55): FNCEMKWKGK[Asp45His]LFDLVCRTLG

ClinVar aggregate classification (germline): Uncertain significance (1 of 4 stars; one submission).

Conditions:
Hereditary cancer-predisposing syndrome. Also called: Neoplastic Syndromes, Hereditary; Tumor predisposition; Hereditary Cancer Syndrome; Hereditary neoplastic syndrome. Identifiers: Orphanet 140162, MedGen C0027672, MeSH D009386, MONDO:0015356.

Submission:

Ambry Genetics
Classification: Uncertain significance for Hereditary cancer-predisposing syndrome. Last evaluated: 2025-12-29. Review status: criteria provided, single submitter. Criteria: Ambry Variant Classification Scheme 2023. Collection method: clinical testing. Allele origin: germline.
Comment: The p.D45H variant (also known as c.133G>C), located in coding exon 2 of the NF2 gene, results from a G to C substitution at nucleotide position 133. The aspartic acid at codon 45 is replaced by histidine, an amino acid with similar properties. This amino acid position is conserved. In addition, this alteration is predicted to be deleterious by in silico analysis. Based on the available evidence, the clinical significance of this variant remains unclear.